The following is an entry in ClinVar:

ClinVar aggregate classification (germline): Uncertain significance. Review status: criteria provided, multiple submitters, no conflicts (2 of 4 stars). 3 submissions from 3 submitters: Uncertain significance (3). Last evaluated 2026-01-27.

Conditions:
Hereditary cancer-predisposing syndrome. Also called: Hereditary neoplastic syndrome; Neoplastic Syndromes, Hereditary; Hereditary Cancer Syndrome; Tumor predisposition. Identifiers: Orphanet 140162, MedGen C0027672, MeSH D009386, MONDO:0015356.
Colorectal cancer, susceptibility to, 12 (CRCS12). Also called: COLORECTAL CANCER, SUSCEPTIBILITY TO, ON CHROMOSOME 12q24. Identifiers: Orphanet 220460, MedGen C3554460, MONDO:0014038, OMIM 615083.

Allele frequency attached by ClinVar (database versions not stated): gnomAD exomes below 0.00001; ExAC 0.00001; gnomAD 0.00001; TOPMed 0.00001; 1000 Genomes Project 30x 0.00016; 1000 Genomes Project 0.00020.
gnomAD v4.1: 7 of 1,614,138 alleles (0.00043%); highest among the groups gnomAD compares: African/African-American, 0.004%; no homozygotes.

Submissions (3):

Labcorp Genetics (formerly Invitae), Labcorp
Classification: Uncertain significance. Last evaluated: 2026-01-27. Review status: criteria provided, single submitter. Criteria: Invitae Variant Classification Sherloc (09022015). Collection method: clinical testing. Allele origin: germline.
Comment: This sequence change replaces asparagine, which is neutral and polar, with serine, which is neutral and polar, at codon 518 of the POLE protein (p.Asn518Ser). This variant is present in population databases (rs553123678, gnomAD 0.007%). This variant has not been reported in the literature in individuals affected with POLE-related conditions. ClinVar contains an entry for this variant (Variation ID: 658218). Invitae Evidence Modeling of protein sequence and biophysical properties (such as structural, functional, and spatial information, amino acid conservation, physicochemical variation, residue mobility, and thermodynamic stability) indicates that this missense variant is expected to disrupt POLE protein function with a positive predictive value of 80%. In summary, the available evidence is currently insufficient to determine the role of this variant in disease. Therefore, it has been classified as a Variant of Uncertain Significance.

Ambry Genetics
Classification: Uncertain significance for Hereditary cancer-predisposing syndrome. Last evaluated: 2024-08-15. Review status: criteria provided, single submitter. Criteria: Ambry Variant Classification Scheme 2023. Collection method: clinical testing. Allele origin: germline.
Comment: The p.N518S variant (also known as c.1553A>G), located in coding exon 15 of the POLE gene, results from an A to G substitution at nucleotide position 1553. The asparagine at codon 518 is replaced by serine, an amino acid with highly similar properties. This amino acid position is conserved. In addition, this alteration is predicted to be tolerated by in silico analysis. Based on the available evidence, the clinical significance of this variant remains unclear.

St. Jude Molecular Pathology, St. Jude Children's Research Hospital
Classification: Uncertain significance for Colorectal cancer, susceptibility to, 12. Last evaluated: 2022-09-27. Review status: criteria provided, single submitter. Criteria: St. Jude Assertion Criteria 2020. Collection method: clinical testing. Allele origin: germline.
Comment: The POLE c.1553A>G (p.Asn518Ser) missense change has a maximum subpopulation frequency of 0.0062% in gnomAD v2.1.1. The in silico tool REVEL is inconclusive about a pathogenic or benign effect of this variant on protein function, and to our knowledge, functional studies have not been performed. To our knowledge, this variant has not been reported in the literature in individuals with POLE-related disease.  In summary, the evidence currently available is insufficient to determine the clinical significance of this variant. It has therefore been classified as of uncertain significance.

NM_006231.4(POLE):c.1553A>G (p.Asn518Ser)

Gene: POLE (DNA polymerase epsilon, catalytic subunit; minus strand). Cytogenetic location: 12q24.33.
Variant type: single nucleotide variant.
Coding change: c.1553A>G on transcript NM_006231.4 (MANE Select); coding-DNA position 1553, A replaced by G.
Protein change: p.Asn518Ser; replaces asparagine 518 with serine.
Molecular consequence: missense variant.
Genome position (GRCh38, 1-based): chr12:132,672,760, T>C on the plus strand (A>G on the coding strand, the complement: POLE is on the minus strand). VCF-style: chr12-132672760-T-C. GRCh37 (hg19) VCF-style: chr12-133249346-T-C.
Other names: c.1553A>G (NM_006231.2); short protein forms N518S.
Identifiers: ClinVar variation 658218 (VCV000658218.13), dbSNP rs553123678, ClinGen allele CA6893914.
Genomic context (GRCh38, chr12:132,672,760, plus strand): 5'-GTCTCAGAGTCCAGCACGTGTCCGTCGTCCGTCAGCTTATTGAACTCCTGCTCTTGCTTG[T>C]TGGGGAAGATGATGTTGGCGTGGAAGGCCTGCACCATCAGCAAGGCCTCACACAGAGTGC-3'
Protein context (NP_006222.2, residues 508-528): QAFHANIIFP[Asn518Ser]KQEQEFNKLT